The following is an entry in ClinVar:

ClinVar aggregate classification (germline): Pathogenic (1 of 4 stars; one submission).

Submission:

GeneDx
Classification: Pathogenic. Last evaluated: 2013-10-21. Review status: criteria provided, single submitter. Criteria: GeneDx Variant Classification (06012015). Collection method: clinical testing. Allele origin: germline. Affected: yes.
Comment: c.368delA: p.Lys123ArgfsX11 (K123Rfsx11) in exon 2 of the SCN1A gene (NM_001165963.1). The normal sequence with the base deleted in braces is: ATTA{A}GATT. The c.368delA mutation in the SCN1A gene causes a frameshift starting with codon Lysine 123, changes this amino acid to an Arginine residue and creates a premature Stop codon at position 11 of the new reading frame, denoted p.Lys123ArgfsX11. This mutation is predicted to cause loss of normal protein function either through protein truncation or nonsense-mediated mRNA decay. Although this mutation has not been previously reported to our knowledge, other frameshift mutations have been reported in SCN1A in association with epilepsy. Therefore, the presence of c.368delA is consistent with a diagnosis of an SCN1A-related disorder. The variant is found in EPILEPSY panel(s).

NM_001165963.4(SCN1A):c.368del (p.Lys123fs)

Gene: SCN1A (sodium voltage-gated channel alpha subunit 1; minus strand). Cytogenetic location: 2q24.3.
Variant type: Deletion.
Coding change: c.368del on transcript NM_001165963.4 (MANE Select); coding-DNA position 368, one base deleted (A; older notation c.368delA).
Protein change: p.Lys123fs; shifts the reading frame from lysine 123.
Molecular consequence: frameshift variant. On other transcripts: 5 prime UTR variant (1), non-coding transcript variant (1).
Genome position (GRCh38, 1-based): chr2:166,058,585, T deleted on the plus strand (A on the coding strand, the reverse complement: SCN1A is on the minus strand); the first of 2 consecutive T bases (chr2:166,058,585-166,058,586); deleting either gives the same sequence. VCF-style (leftmost placement, unchanged base first): chr2-166058584-CT-C. GRCh37 (hg19) VCF-style: chr2-166915094-CT-C.
Other names: c.368del, p.Lys123fs (NM_001165964.3, NM_001202435.3, NM_001353948.2 and 10 more transcripts); c.-2058del (NM_001353961.2); short protein forms K123fs.
Identifiers: ClinVar variation 206890 (VCV000206890.1), dbSNP rs796053052, ClinGen allele CA317696.